The following is an entry in ClinVar:

NM_024675.4(PALB2):c.2835-6_2841del

Gene: PALB2 (partner and localizer of BRCA2; minus strand). Cytogenetic location: 16p12.2.
Variant type: Deletion.
Coding change: c.2835-6_2841del on transcript NM_024675.4 (MANE Select); 6 bases into the intron before coding-DNA position 2835 through coding-DNA position 2841, 13 bases deleted (GCTTAGGGCATTG).
Molecular consequence: splice acceptor variant. On other transcripts: intron variant (1).
Genome position (GRCh38, 1-based): chr16:23,623,124-23,623,136, CAATGCCCTAAGC deleted on the plus strand (GCTTAGGGCATTG on the coding strand, the reverse complement: PALB2 is on the minus strand); deleting any 13 consecutive bases within chr16:23,623,124-23,623,139 gives the same sequence; the c. name uses the placement nearest the transcript's 3' end. VCF-style (leftmost placement, unchanged base first): chr16-23623123-ACAATGCCCTAAGC-A. GRCh37 (hg19) VCF-style: chr16-23634444-ACAATGCCCTAAGC-A.
Other names: c.1950-6_1956del (NM_001407308.1, NM_001407306.1, NM_001407309.1 and 4 more transcripts); c.369-6_375del (NM_001407314.1); c.1047-6_1053del (NM_001407313.1, NM_001407312.1); c.2775-6_2781del (NM_001407296.1); c.2763-6_2769del (NM_001407297.1); c.2673-6_2679del (NM_001407302.1, NM_001407298.1); c.2834+873_2834+885del (NM_001407300.1); c.2835-6_2841del (NM_001407299.1, NM_001407301.1); and 1 more.
Identifiers: ClinVar variation 3602766 (VCV003602766.2).

ClinVar aggregate classification (germline): Likely pathogenic (1 of 4 stars; one submission).

Conditions:
Hereditary cancer-predisposing syndrome. Also called: Tumor predisposition; Hereditary neoplastic syndrome; Neoplastic Syndromes, Hereditary; Hereditary Cancer Syndrome. Identifiers: Orphanet 140162, MedGen C0027672, MeSH D009386, MONDO:0015356.

Submission:

Department of Clinical Genetics, Copenhagen University Hospital, Rigshospitalet
Classification: Likely pathogenic for Hereditary cancer-predisposing syndrome. Last evaluated: 2025-02-04. Review status: criteria provided, single submitter. Criteria: ACMG Guidelines, 2015. Collection method: clinical testing. Allele origin: germline.
Comment: PVS1; PM2_SUP